The following is an entry in ClinVar:

ClinVar aggregate classification (germline): Conflicting classifications of pathogenicity. Review status: criteria provided, conflicting classifications (1 of 4 stars). 15 submissions from 15 submitters: Pathogenic (3); Likely pathogenic (9); Uncertain significance (3). Last evaluated 2026-05-01.

Conditions:
ACAD8-related disorder. Also called: ACAD8-related condition.
Deficiency of isobutyryl-CoA dehydrogenase. Also called: ACAD8 DEFICIENCY; ACYL-CoA DEHYDROGENASE FAMILY, MEMBER 8, DEFICIENCY OF; IBD DEFICIENCY. Identifiers: Orphanet 79159, MedGen C1969809, MONDO:0012648, OMIM 611283.
Inborn genetic diseases. Identifiers: MedGen C0950123, MeSH D030342.

Allele frequency attached by ClinVar (database versions not stated): TOPMed 0.00014; ESP Exome Variant Server 0.00015; 1000 Genomes Project 30x 0.00016; gnomAD 0.00019; 1000 Genomes Project 0.00020; gnomAD exomes 0.00024 and 0.00037; ExAC 0.00030.
gnomAD v4.1: 381 of 1,613,956 alleles (0.024%); highest among the groups gnomAD compares: Middle Eastern, 0.082%; 1 homozygote.

Submissions (15):

CeGaT Center for Human Genetics Tuebingen
Classification: Likely pathogenic. Last evaluated: 2026-05-01. Review status: criteria provided, single submitter. Criteria: CeGaT Center For Human Genetics Tuebingen Variant Classification Criteria Version 2. Collection method: clinical testing. Allele origin: germline. Affected: yes. Observed: 1 variant allele.
Comment: ACAD8: PM2, PM3, PS3:Moderate

3billion
Classification: Likely pathogenic for Deficiency of isobutyryl-CoA dehydrogenase. Last evaluated: 2026-01-23. Review status: criteria provided, single submitter. Criteria: ACMG Guidelines, 2015. Collection method: clinical testing. Allele origin: germline. Affected: yes.
Comment: The variant is observed at an extremely low frequency in the gnomAD v4.1.0 dataset (total allele frequency: 0.024%). Predicted Consequence/Location: Missense variant In silico tool predictions suggest damaging effect of the variant on gene or gene product [REVEL: 0.92 (>=0.6, sensitivity 0.68 and specificity 0.92); 3Cnet: 0.92 (> 0.75, sensitivity 0.96 and precision 0.92)]. The same nucleotide change resulting in the same amino acid change has been previously reported as pathogenic/likely pathogenic with strong evidence (ClinVar ID: VCV000372297 /PMID: 16857760 /3billion dataset). Therefore, this variant is classified as Likely pathogenic according to the recommendation of ACMG/AMP guideline.

Labcorp Genetics (formerly Invitae), Labcorp
Classification: Pathogenic for Deficiency of isobutyryl-CoA dehydrogenase. Last evaluated: 2026-01-05. Review status: criteria provided, single submitter. Criteria: Invitae Variant Classification Sherloc (09022015). Collection method: clinical testing. Allele origin: germline.
Comment: This sequence change replaces alanine, which is neutral and non-polar, with threonine, which is neutral and polar, at codon 320 of the ACAD8 protein (p.Ala320Thr). This variant is present in population databases (rs200620279, gnomAD 0.2%). This missense change has been observed in individual(s) with isobutyryl-CoA dehydrogenase deficiency (PMID: 16857760, 17304052, 32778825; internal data). This variant is also known as A298T. ClinVar contains an entry for this variant (Variation ID: 372297). Invitae Evidence Modeling of protein sequence and biophysical properties (such as structural, functional, and spatial information, amino acid conservation, physicochemical variation, residue mobility, and thermodynamic stability) has been performed for this missense variant. However, the output from this modeling did not meet the statistical confidence thresholds required to predict the impact of this variant on ACAD8 protein function. Experimental studies have shown that this missense change affects ACAD8 function (PMID: 16857760). For these reasons, this variant has been classified as Pathogenic.

First Genomix Gene Laboratory, Genetic Diagnostics Department
Classification: Likely pathogenic for Deficiency of isobutyryl-CoA dehydrogenase. Last evaluated: 2025-08-14. Review status: criteria provided, single submitter. Criteria: ACMG Guidelines, 2015. Collection method: clinical testing. Allele origin: germline. Inheritance: Autosomal recessive inheritance. Affected: no. Observed: 1 variant allele.

GeneDx
Classification: Likely pathogenic. Last evaluated: 2025-08-06. Review status: criteria provided, single submitter. Criteria: GeneDx Variant Classification Process June 2021. Collection method: clinical testing. Allele origin: germline. Affected: yes.
Comment: Expression studies found that A320T is associated with approximately 20% isobutyryl-CoA dehydrogenase enzyme activity compared to wild-type and that it affects proper isobutyryl-CoA dehydrogenase protein folding (PMID: 16857760); In silico analysis supports that this missense variant has a deleterious effect on protein structure/function; This variant is associated with the following publications: (PMID: 16857760, 17304052, 33432785, 34426522, 32778825, 24635911, Lina2023[Article])

Dasa
Classification: Likely pathogenic for isobutyryl-CoA dehydrogenase deficiency. Last evaluated: 2025-03-21. Review status: criteria provided, single submitter. Criteria: DASA Assertion Criteria. Collection method: clinical testing. Allele origin: germline.
Comment: NM_014384.3(ACAD8):c.958G>A (p.Ala320Thr) is a missense variant that results in the substitution of alanine with threonine. This variant has been recurrently observed in individuals with ACAD8-related disorders (PMID: 16857760; PMID: 17304052; PMID: 32778825). Functional evidence supports an impact on the gene or gene product (PMID: 16857760; PMID: 17304052; PMID: 32778825). Also, this variant is rare in population databases. Computational evidence supports a deleterious effect. Based on the currently available evidence, this variant is classified as likely pathogenic.

Blueprint Genetics
Classification: Uncertain significance. Last evaluated: 2024-09-17. Review status: criteria provided, single submitter. Criteria: ACMG Guidelines, 2015. Collection method: clinical testing. Allele origin: germline.

Genomic Medicine Center of Excellence, King Faisal Specialist Hospital and Research Centre
Classification: Pathogenic for Deficiency of isobutyryl-CoA dehydrogenase. Last evaluated: 2024-03-26. Review status: criteria provided, single submitter. Criteria: ACMG Guidelines, 2015. Collection method: clinical testing. Allele origin: germline.

PreventionGenetics, part of Exact Sciences
Classification: Likely pathogenic for ACAD8-related condition. Last evaluated: 2023-06-01. Review status: criteria provided, single submitter. Criteria: ACMG Guidelines, 2015. Collection method: clinical testing. Allele origin: germline.
Comment: The ACAD8 c.958G>A variant is predicted to result in the amino acid substitution p.Ala320Thr. This variant has been reported in the compound heterozygous state in two presumably unrelated individuals with isobutyryl-CoA dehydrogenase deficiency (Table 1, Pedersen et al. 2006. PubMed ID: 16857760; Table 1, Oglesbee et al. 2007. PubMed ID: 17304052). It has been reported in an additional individual with an inborn error of metabolism, but no clinical data was provided (Table S5, Adhikari et al. 2020. PubMed ID: 32778825). This variant has been demonstrated to retain approximately 20% of residual enzymatic activity compared to wild type (Figure 2, Pedersen et al. 2006. PubMed ID: 16857760). This variant is reported in 0.17% of alleles in individuals of European (Finnish) descent in gnomAD (. This variant is interpreted as likely pathogenic.

Department of Pathology and Laboratory Medicine, Sinai Health System
Classification: Likely pathogenic for isobutyryl-CoA dehydrogenase deficiency. Last evaluated: 2023-01-19. Review status: criteria provided, single submitter. Criteria: ACMG Guidelines, 2015. Collection method: research. Allele origin: germline.

Ambry Genetics
Classification: Uncertain significance for Inborn genetic diseases. Last evaluated: 2021-06-04. Review status: criteria provided, single submitter. Criteria: Ambry Variant Classification Scheme 2023. Collection method: clinical testing. Allele origin: germline.
Comment: The c.958G>A (p.A320T) alteration is located in exon 9 (coding exon 9) of the ACAD8 gene. This alteration results from a G to A substitution at nucleotide position 958, causing the alanine (A) at amino acid position 320 to be replaced by a threonine (T). Based on data from the Genome Aggregation Database (gnomAD) database, the ACAD8 c.958G>A alteration was observed in 0.03% (98/282364) of total alleles studied, with a frequency of 0.17% (43/24928) in the European (Finnish) subpopulation. This alteration has been reported in the compound heterozygous state with other ACAD8 variants in two patients with isobutyryl-CoA dehydrogenase deficiency identified by elevated C4-carnitine on newborn screening (Oglesbee, 2007; Pedersen, 2006). One patient was described as having an unremarkable clinical presentation, and the clinical status of the other patient was not determined (Oglesbee, 2007; Pedersen, 2006). This amino acid position is well conserved in available vertebrate species. The p.A320T alteration is predicted to be deleterious by in silico analysis. Based on insufficient or conflicting evidence, the clinical significance of this alteration remains unclear.

Genetics and Genomic Medicine Centre, NeuroGen Healthcare, NeuroGen Healthcare
Classification: Pathogenic for Deficiency of isobutyryl-CoA dehydrogenase. Last evaluated: 2021-04-06. Review status: criteria provided, single submitter. Criteria: Submitter's publication. Collection method: clinical testing. Allele origin: unknown. Affected: no.

Revvity Omics, Revvity
Classification: Likely pathogenic for Deficiency of isobutyryl-CoA dehydrogenase. Last evaluated: 2020-07-08. Review status: criteria provided, single submitter. Criteria: ACMG Guidelines, 2015. Collection method: clinical testing. Allele origin: germline.

Illumina Laboratory Services, Illumina
Classification: Likely pathogenic for Deficiency of isobutyryl-CoA dehydrogenase. Last evaluated: 2018-12-05. Review status: criteria provided, single submitter. Criteria: ICSL Variant Classification Criteria 09 May 2019. Collection method: clinical testing. Allele origin: germline.
Comment: The ACAD8 c.958G>A (p.Ala320Thr) missense variant has been reported in a compound heterozygous state in two individuals with isobutyryl-CoA dehydrogenase deficiency who were identified by elevated C4-carnitine levels through newborn screening (Pedersen et al. 2006; Oglesbee et al. 2007). This variant was absent from 415 controls but is reported at a frequency of 0.001563 in the European (Finnish) population of the Genome Aggregation Database. When overexpressed in Chang cells, the p.Ala320Thr variant displayed approximately 20% residual enzyme activity. Experiments in isolated mitochondria also showed the variant reduced isobutyryl-CoA dehydrogenase tetramer formation, suggesting disruption of protein folding (Pedersen et al. 2006). Based on the collective evidence, the p.Ala320Thr variant is classified as likely pathogenic for isobutyryl-CoA dehydrogenase deficiency. This variant was observed by ICSL as part of a predisposition screen in an ostensibly healthy population.

Eurofins Ntd Llc (ga)
Classification: Uncertain significance. Last evaluated: 2017-04-12. Review status: criteria provided, single submitter. Criteria: EGL Classification Definitions 2015. Collection method: clinical testing. Allele origin: germline. Observed: 1 variant allele, 1 heterozygote.

Literature cited by the submitters: PubMed 16857760 (cited by 5 submitters); PubMed 17304052 (cited by 4 submitters); PubMed 32778825 (cited by Labcorp Genetics (formerly Invitae), Labcorp and Dasa); PubMed 24635911 (cited by Ambry Genetics); PubMed 33432785 (cited by Ambry Genetics).

NM_014384.3(ACAD8):c.958G>A (p.Ala320Thr)

Gene: ACAD8 (acyl-CoA dehydrogenase family member 8; plus strand). Cytogenetic location: 11q25.
Variant type: single nucleotide variant.
Coding change: c.958G>A on transcript NM_014384.3 (MANE Select); coding-DNA position 958, G replaced by A.
Protein change: p.Ala320Thr; replaces alanine 320 with threonine.
Molecular consequence: missense variant.
Genome position (GRCh38, 1-based): chr11:134,261,756, G>A. VCF-style: chr11-134261756-G-A. GRCh37 (hg19) VCF-style: chr11-134131650-G-A.
Other names: short protein forms A320T.
Identifiers: ClinVar variation 372297 (VCV000372297.38), dbSNP rs200620279, ClinGen allele CA6373180.